The following is an entry in ClinVar:

NM_001365536.1(SCN9A):c.2683T>C (p.Cys895Arg)

Genes: SCN9A (sodium voltage-gated channel alpha subunit 9; minus strand), SCN1A-AS1 (SCN1A and SCN9A antisense RNA 1; plus strand). Cytogenetic location: 2q24.3.
Variant type: single nucleotide variant.
Coding change: c.2683T>C on transcript NM_001365536.1 (MANE Select); coding-DNA position 2683, T replaced by C.
Protein change: p.Cys895Arg; replaces cysteine 895 with arginine.
Molecular consequence: missense variant. On other transcripts: non-coding transcript variant (1).
Genome position (GRCh38, 1-based): chr2:166,277,174, A>G on the plus strand (T>C on the coding strand, the complement: SCN9A is on the minus strand). VCF-style: chr2-166277174-A-G. GRCh37 (hg19) VCF-style: chr2-167133684-A-G.
Other names: c.2650T>C, p.Cys884Arg (NM_002977.4); short protein forms C884R, C895R.
Identifiers: ClinVar variation 1461601 (VCV001461601.6), dbSNP rs764185852, ClinGen allele CA1944219.

ClinVar aggregate classification (germline): Uncertain significance (1 of 4 stars; one submission).

Conditions:
Neuropathy, hereditary sensory and autonomic, type 2A (HSAN2A). Also called: WNK1-Related HSAN2 (HSAN2A); HSAN IIA; ACROOSTEOLYSIS, GIACCAI TYPE; ACROOSTEOLYSIS, NEUROGENIC; MORVAN DISEASE; NEUROPATHY, CONGENITAL SENSORY. Identifiers: Orphanet 970, MedGen C2752089, MONDO:0024309, OMIM 201300.
Generalized epilepsy with febrile seizures plus, type 7 (GEFSP7). Also called: GEFS+, TYPE 7. Identifiers: Orphanet 36387, MedGen C2751778, MONDO:0013470, OMIM 613863.

Allele frequency attached by ClinVar (database versions not stated): ExAC 0.00001; gnomAD exomes 0.00001.
gnomAD v4.1: 3 of 1,614,050 alleles (0.00019%); highest among the groups gnomAD compares: East Asian, 0.0067%; no homozygotes.

Submission:

Labcorp Genetics (formerly Invitae), Labcorp
Classification: Uncertain significance for Neuropathy, hereditary sensory and autonomic, type 2A; Generalized epilepsy with febrile seizures plus, type 7. Last evaluated: 2021-11-06. Review status: criteria provided, single submitter. Criteria: Invitae Variant Classification Sherloc (09022015). Collection method: clinical testing. Allele origin: germline.
Comment: This sequence change replaces cysteine, which is neutral and slightly polar, with arginine, which is basic and polar, at codon 884 of the SCN9A protein (p.Cys884Arg). This variant is present in population databases (rs764185852, gnomAD 0.01%). This variant has not been reported in the literature in individuals affected with SCN9A-related conditions. Algorithms developed to predict the effect of missense changes on protein structure and function are either unavailable or do not agree on the potential impact of this missense change (SIFT: "Tolerated"; PolyPhen-2: "Probably Damaging"; Align-GVGD: "Class C0"). In summary, the available evidence is currently insufficient to determine the role of this variant in disease. Therefore, it has been classified as a Variant of Uncertain Significance.